The following is an entry in ClinVar:

ClinVar aggregate classification (germline): Uncertain significance (1 of 4 stars; one submission).

Conditions:
Severe combined immunodeficiency due to DNA-PKcs deficiency. Also called: IMMUNODEFICIENCY 26 WITH NEUROLOGIC ABNORMALITIES; Immunodeficiency 26 with or without neurologic abnormalities. Identifiers: Orphanet 317425, MedGen C4014833, MONDO:0014423, OMIM 615966.

Allele frequency attached by ClinVar (database versions not stated): TOPMed below 0.00001; gnomAD 0.00001; gnomAD exomes 0.00001; ExAC 0.00005.
gnomAD v4.1: 6 of 1,580,860 alleles (0.00038%); highest among the groups gnomAD compares: Non-Finnish European, 0.00052%; no homozygotes.

Submission:

Labcorp Genetics (formerly Invitae), Labcorp
Classification: Uncertain significance for Severe combined immunodeficiency due to DNA-PKcs deficiency. Last evaluated: 2022-03-13. Review status: criteria provided, single submitter. Criteria: Invitae Variant Classification Sherloc (09022015). Collection method: clinical testing. Allele origin: germline.
Comment: In summary, the available evidence is currently insufficient to determine the role of this variant in disease. Therefore, it has been classified as a Variant of Uncertain Significance. Experimental studies and prediction algorithms are not available or were not evaluated, and the functional significance of this variant is currently unknown. This variant has not been reported in the literature in individuals affected with PRKDC-related conditions. This variant is present in population databases (rs778525637, gnomAD 0.004%). This sequence change replaces glutamine, which is neutral and polar, with glutamic acid, which is acidic and polar, at codon 3762 of the PRKDC protein (p.Gln3762Glu).

NM_006904.7(PRKDC):c.11284C>G (p.Gln3762Glu)

Gene: PRKDC (protein kinase, DNA-activated, catalytic subunit; minus strand). Cytogenetic location: 8q11.21.
Variant type: single nucleotide variant.
Coding change: c.11284C>G on transcript NM_006904.7 (MANE Select); coding-DNA position 11284, C replaced by G.
Protein change: p.Gln3762Glu; replaces glutamine 3762 with glutamic acid.
Molecular consequence: missense variant.
Genome position (GRCh38, 1-based): chr8:47,782,490, G>C on the plus strand (C>G on the coding strand, the complement: PRKDC is on the minus strand). VCF-style: chr8-47782490-G-C. GRCh37 (hg19) VCF-style: chr8-48695051-G-C.
Other names: c.11284C>G, p.Gln3762Glu (NM_001081640.2); short protein forms Q3762E.
Identifiers: ClinVar variation 2110643 (VCV002110643.4), dbSNP rs778525637, ClinGen allele CA4739127.